The following is an entry in ClinVar:

NM_002439.5(MSH3):c.2311G>T (p.Val771Phe)

Gene: MSH3 (mutS homolog 3; plus strand). Cytogenetic location: 5q14.1.
Variant type: single nucleotide variant.
Coding change: c.2311G>T on transcript NM_002439.5 (MANE Select); coding-DNA position 2311, G replaced by T.
Protein change: p.Val771Phe; replaces valine 771 with phenylalanine.
Molecular consequence: missense variant.
Genome position (GRCh38, 1-based): chr5:80,775,751, G>T. VCF-style: chr5-80775751-G-T. GRCh37 (hg19) VCF-style: chr5-80071570-G-T.
Other names: short protein forms V771F.
Identifiers: ClinVar variation 1789449 (VCV001789449.6), dbSNP rs1744286979, ClinGen allele CA360280996.

ClinVar aggregate classification (germline): Uncertain significance. Review status: criteria provided, multiple submitters, no conflicts (2 of 4 stars). 2 submissions from 2 submitters: Uncertain significance (2). Last evaluated 2025-12-17.

Conditions:
Hereditary cancer-predisposing syndrome. Also called: Tumor predisposition; Hereditary Cancer Syndrome; Hereditary neoplastic syndrome; Neoplastic Syndromes, Hereditary. Identifiers: Orphanet 140162, MedGen C0027672, MeSH D009386, MONDO:0015356.

gnomAD v4.1: 4 of 1,584,752 alleles (0.00025%); highest among the groups gnomAD compares: Non-Finnish European, 0.00035%; no homozygotes.

Submissions (2):

Ambry Genetics
Classification: Uncertain significance for Hereditary cancer-predisposing syndrome. Last evaluated: 2025-12-17. Review status: criteria provided, single submitter. Criteria: Ambry Variant Classification Scheme 2023. Collection method: clinical testing. Allele origin: germline.
Comment: The p.V771F variant (also known as c.2311G>T), located in coding exon 16 of the MSH3 gene, results from a G to T substitution at nucleotide position 2311. The valine at codon 771 is replaced by phenylalanine, an amino acid with highly similar properties. This amino acid position is not well conserved in available vertebrate species. In addition, the in silico prediction for this alteration is inconclusive. Since supporting evidence is limited at this time, the clinical significance of this alteration remains unclear.

Labcorp Genetics (formerly Invitae), Labcorp
Classification: Uncertain significance. Last evaluated: 2024-06-23. Review status: criteria provided, single submitter. Criteria: Invitae Variant Classification Sherloc (09022015). Collection method: clinical testing. Allele origin: germline.
Comment: This sequence change replaces valine, which is neutral and non-polar, with phenylalanine, which is neutral and non-polar, at codon 771 of the MSH3 protein (p.Val771Phe). This variant is not present in population databases (gnomAD no frequency). This variant has not been reported in the literature in individuals affected with MSH3-related conditions. An algorithm developed to predict the effect of missense changes on protein structure and function (PolyPhen-2) suggests that this variant is likely to be disruptive. In summary, the available evidence is currently insufficient to determine the role of this variant in disease. Therefore, it has been classified as a Variant of Uncertain Significance.